The following is an entry in ClinVar:

ClinVar aggregate classification (germline): Pathogenic (1 of 4 stars; one submission).

Conditions:
Primary ciliary dyskinesia. Also called: Ciliary dyskinesia. Identifiers: Orphanet 244, MedGen C0008780, MONDO:0016575, HP:0012265.

Submission:

Labcorp Genetics (formerly Invitae), Labcorp
Classification: Pathogenic for Primary ciliary dyskinesia. Last evaluated: 2020-11-28. Review status: criteria provided, single submitter. Criteria: Invitae Variant Classification Sherloc (09022015). Collection method: clinical testing. Allele origin: germline.
Comment: This sequence change creates a premature translational stop signal (p.Lys4473Profs*27) in the DNAH11 gene. While this is not anticipated to result in nonsense mediated decay, it is expected to disrupt the last 44 amino acid(s) of the DNAH11 protein. For these reasons, this variant has been classified as Pathogenic. This variant disrupts the C-terminus of the DNAH11 protein. Other variant(s) that disrupt this region (p.Tyr4476Aspfs*8) have been determined to be pathogenic (Invitae). This suggests that variants that disrupt this region of the protein are likely to be causative of disease. Algorithms developed to predict the effect of sequence changes on RNA splicing suggest that this variant may create or strengthen a splice site, but this prediction has not been confirmed by published transcriptional studies. This variant has not been reported in the literature in individuals with DNAH11-related conditions. This variant is not present in population databases (ExAC no frequency).

NM_001277115.2(DNAH11):c.13364_13415dup (p.Lys4473fs)

Genes: CDCA7L (cell division cycle associated 7 like; minus strand), DNAH11 (dynein axonemal heavy chain 11; plus strand). Cytogenetic location: 7p15.3.
Variant type: Duplication.
Coding change: c.13364_13415dup on transcript NM_001277115.2 (MANE Select); coding-DNA positions 13364 to 13415, 52 bases duplicated.
Protein change: p.Lys4473fs; shifts the reading frame from lysine 4473.
Molecular consequence: frameshift variant. On other transcripts: 3 prime UTR variant (3).
Genome position (GRCh38, 1-based): chr7:21,901,067-21,901,118, 52 bases duplicated. GRCh37 (hg19): chr7:21,940,685-21,940,736.
Other names: c.*1204_*1255dup (NM_001127370.3, NM_001127371.3, NM_018719.5); short protein forms K4473fs.
Identifiers: ClinVar variation 1451503 (VCV001451503.8), dbSNP rs2128053357, ClinGen allele CA2573142027.